The following is an entry in ClinVar:

ClinVar aggregate classification (germline): Likely benign (1 of 4 stars; one submission).

Submission:

CeGaT Center for Human Genetics Tuebingen
Classification: Likely benign. Last evaluated: 2025-03-01. Review status: criteria provided, single submitter. Criteria: CeGaT Center For Human Genetics Tuebingen Variant Classification Criteria Version 2. Collection method: clinical testing. Allele origin: germline. Affected: yes. Observed: 1 variant allele.
Comment: TET3: PM2:Supporting, BP4, BP7

NM_001287491.2(TET3):c.1503G>C (p.Pro501=)

Gene: TET3 (tet methylcytosine dioxygenase 3; plus strand). Cytogenetic location: 2p13.1.
Variant type: single nucleotide variant.
Coding change: c.1503G>C on transcript NM_001287491.2 (MANE Select); coding-DNA position 1503, G replaced by C.
Protein change: p.Pro501=; no amino-acid change (proline 501 retained).
Molecular consequence: synonymous variant.
Genome position (GRCh38, 1-based): chr2:74,047,420, G>C. VCF-style: chr2-74047420-G-C. GRCh37 (hg19) VCF-style: chr2-74274547-G-C.
Other names: c.1224G>C, p.Pro408= (NM_001366022.1).
Identifiers: ClinVar variation 3778238 (VCV003778238.7).